The following is an entry in ClinVar:

NM_014159.7(SETD2):c.3919G>C (p.Asp1307His)

Gene: SETD2 (SET domain containing 2, histone lysine methyltransferase; minus strand). Cytogenetic location: 3p21.31.
Variant type: single nucleotide variant.
Coding change: c.3919G>C on transcript NM_014159.7 (MANE Select); coding-DNA position 3919, G replaced by C.
Protein change: p.Asp1307His; replaces aspartic acid 1307 with histidine.
Molecular consequence: missense variant. On other transcripts: non-coding transcript variant (1).
Genome position (GRCh38, 1-based): chr3:47,120,717, C>G on the plus strand (G>C on the coding strand, the complement: SETD2 is on the minus strand). VCF-style: chr3-47120717-C-G. GRCh37 (hg19) VCF-style: chr3-47162207-C-G.
Other names: c.3787G>C, p.Asp1263His (NM_001349370.3); short protein forms D1263H, D1307H.
Identifiers: ClinVar variation 4531897 (VCV004531897.1).

ClinVar aggregate classification (germline): Uncertain significance (1 of 4 stars; one submission).

Conditions:
Luscan-Lumish syndrome. Identifiers: Orphanet 597738, MedGen C4085873, MONDO:0014791, OMIM 616831.

Submission:

Victorian Clinical Genetics Services, Murdoch Childrens Research Institute
Classification: Uncertain significance for Luscan-Lumish syndrome. Last evaluated: 2025-06-16. Review status: criteria provided, single submitter. Criteria: ACMG Guidelines, 2015. Collection method: clinical testing. Allele origin: germline.
Comment: This variant is classified as VUS-3B. Evidence in support of pathogenic classification: Variant is absent from gnomAD (v2, v3 and v4); Additional information: Variant is predicted to result in a missense amino acid change from aspartic acid to histidine; This variant is heterozygous; This gene is associated with autosomal dominant disease. Luscan-Lumish syndrome has been associated with a wide mutational spectrum; while Rabin-Pappas syndrome and intellectual developmental disorder have been reported as being associated with only two variants, p.(Arg1740Trp) and p.(Arg1740Gln); This variant has no previous evidence of pathogenicity; No published segregation evidence has been identified for this variant; No published functional evidence has been identified for this variant; No comparable missense variants have previous evidence for pathogenicity; Variant is not located in an established domain, motif, hotspot or informative constraint region; Missense variant with inconclusive in silico prediction and uninformative conservation; Loss of function is a known mechanism of disease in this gene and is associated with Luscan-Lumish syndrome (MIM#616831, PMID: 27528607). However, the mechanisms for Rabin-Pappas syndrome (MIM#620155) and intellectual developmental disorder (MIM#620157) are currently unknown; Variants in this gene are known to have variable expressivity. The degree of intellectual disability and speech delay shows variability and cases have presented with and without obesity and overgrowth (PMID: 29681085).

Literature cited by the submitters: PubMed 27528607; PubMed 29681085.